The following is an entry in ClinVar:

ClinVar aggregate classification (germline): Uncertain significance. Review status: criteria provided, multiple submitters, no conflicts (2 of 4 stars). 3 submissions from 3 submitters: Uncertain significance (3). Last evaluated 2024-05-23.

Conditions:
Dyskeratosis congenita, autosomal dominant 2. Identifiers: MedGen C3151443, MONDO:0013521, OMIM 613989.
Idiopathic Pulmonary Fibrosis. Also called: Idiopathic fibrosing alveolitis, chronic form; idiopathic fibrosing alveolitis. Identifiers: Orphanet 2032, MedGen C1800706, MeSH D054990, MONDO:0800504.
Dyskeratosis congenita. Identifiers: Orphanet 1775, MedGen C0265965, MONDO:0015780.

Allele frequency attached by ClinVar (database versions not stated): gnomAD exomes below 0.00001; gnomAD 0.00002 and 0.00003; TOPMed 0.00002; ESP Exome Variant Server 0.00008.
gnomAD v4.1: 6 of 1,549,996 alleles (0.00039%); highest among the groups gnomAD compares: African/African-American, 0.0068%; no homozygotes.

Submissions (3):

Labcorp Genetics (formerly Invitae), Labcorp
Classification: Uncertain significance for Dyskeratosis congenita, autosomal dominant 2; Idiopathic Pulmonary Fibrosis. Last evaluated: 2024-05-23. Review status: criteria provided, single submitter. Criteria: Invitae Variant Classification Sherloc (09022015). Collection method: clinical testing. Allele origin: germline.
Comment: This sequence change replaces glycine, which is neutral and non-polar, with serine, which is neutral and polar, at codon 424 of the TERT protein (p.Gly424Ser). This variant is not present in population databases (gnomAD no frequency). This variant has not been reported in the literature in individuals affected with TERT-related conditions. ClinVar contains an entry for this variant (Variation ID: 1051300). Advanced modeling of protein sequence and biophysical properties (such as structural, functional, and spatial information, amino acid conservation, physicochemical variation, residue mobility, and thermodynamic stability) performed at Invitae indicates that this missense variant is not expected to disrupt TERT protein function with a negative predictive value of 95%. In summary, the available evidence is currently insufficient to determine the role of this variant in disease. Therefore, it has been classified as a Variant of Uncertain Significance.

GeneDx
Classification: Uncertain significance. Last evaluated: 2024-02-28. Review status: criteria provided, single submitter. Criteria: GeneDx Variant Classification Process June 2021. Collection method: clinical testing. Allele origin: germline. Affected: yes.
Comment: Not observed at significant frequency in large population cohorts (gnomAD); In silico analysis supports that this missense variant does not alter protein structure/function; Observed in individual(s) with a personal or family history of melanoma (PMID: 37611275); This variant is associated with the following publications: (PMID: 37611275)

Ambry Genetics
Classification: Uncertain significance for Dyskeratosis congenita. Last evaluated: 2022-04-07. Review status: criteria provided, single submitter. Criteria: Ambry Variant Classification Scheme 2023. Collection method: clinical testing. Allele origin: germline.
Comment: The p.G424S variant (also known as c.1270G>A), located in coding exon 2 of the TERT gene, results from a G to A substitution at nucleotide position 1270. The glycine at codon 424 is replaced by serine, an amino acid with similar properties. This amino acid position is conserved. In addition, this alteration is predicted to be tolerated by in silico analysis. Since supporting evidence is limited at this time, the clinical significance of this alteration remains unclear.

NM_198253.3(TERT):c.1270G>A (p.Gly424Ser)

Gene: TERT (telomerase reverse transcriptase; minus strand). Cytogenetic location: 5p15.33.
Variant type: single nucleotide variant.
Coding change: c.1270G>A on transcript NM_198253.3 (MANE Select); coding-DNA position 1270, G replaced by A.
Protein change: p.Gly424Ser; replaces glycine 424 with serine.
Molecular consequence: missense variant. On other transcripts: non-coding transcript variant (2).
Genome position (GRCh38, 1-based): chr5:1,293,616, C>T on the plus strand (G>A on the coding strand, the complement: TERT is on the minus strand). VCF-style: chr5-1293616-C-T. GRCh37 (hg19) VCF-style: chr5-1293731-C-T.
Other names: c.1270G>A, p.Gly424Ser (NM_001193376.3); short protein forms G424S.
Identifiers: ClinVar variation 1051300 (VCV001051300.11), dbSNP rs374180689, ClinGen allele CA112957737.